The following is an entry in ClinVar:

ClinVar aggregate classification (germline): Likely pathogenic (1 of 4 stars; one submission).

Submission:

Labcorp Genetics (formerly Invitae), Labcorp
Classification: Likely pathogenic. Last evaluated: 2024-08-10. Review status: criteria provided, single submitter. Criteria: Invitae Variant Classification Sherloc (09022015). Collection method: clinical testing. Allele origin: germline.
Comment: This sequence change affects a donor splice site in intron 24 of the OTOGL gene. It is expected to disrupt RNA splicing. Variants that disrupt the donor or acceptor splice site typically lead to a loss of protein function (PMID: 16199547), and loss-of-function variants in OTOGL are known to be pathogenic (PMID: 23122586). This variant is not present in population databases (gnomAD no frequency). This variant has not been reported in the literature in individuals affected with OTOGL-related conditions. Algorithms developed to predict the effect of sequence changes on RNA splicing suggest that this variant may disrupt the consensus splice site. In summary, the currently available evidence indicates that the variant is pathogenic, but additional data are needed to prove that conclusively. Therefore, this variant has been classified as Likely Pathogenic.

Literature cited by the submitters: PubMed 16199547; PubMed 23122586.

NM_001378609.3(OTOGL):c.2789+1G>A

Gene: OTOGL (otogelin like; plus strand). Cytogenetic location: 12q21.31.
Variant type: single nucleotide variant.
Coding change: c.2789+1G>A on transcript NM_001378609.3 (MANE Select); the canonical splice donor site of the intron after coding-DNA position 2789, G replaced by A.
Molecular consequence: splice donor variant.
Genome position (GRCh38, 1-based): chr12:80,278,276, G>A. VCF-style: chr12-80278276-G-A. GRCh37 (hg19) VCF-style: chr12-80672056-G-A.
Other names: c.2789+1G>A (NM_001368062.3, NM_001378610.3, NM_173591.7).
Identifiers: ClinVar variation 3616703 (VCV003616703.2).